The following is an entry in ClinVar:

NM_004204.5(PIGQ):c.1645T>C (p.Cys549Arg)

Gene: PIGQ (phosphatidylinositol glycan anchor biosynthesis class Q; plus strand). Cytogenetic location: 16p13.3.
Variant type: single nucleotide variant.
Coding change: c.1645T>C on transcript NM_004204.5 (MANE Select); coding-DNA position 1645, T replaced by C.
Protein change: p.Cys549Arg; replaces cysteine 549 with arginine.
Molecular consequence: missense variant.
Genome position (GRCh38, 1-based): chr16:582,934, T>C. VCF-style: chr16-582934-T-C. GRCh37 (hg19) VCF-style: chr16-632934-T-C.
Other names: c.1583T>C, p.Leu528Pro (NM_148920.4); short protein forms C549R, L528P.
Identifiers: ClinVar variation 4810172 (VCV004810172.1).

ClinVar aggregate classification (germline): Uncertain significance (1 of 4 stars; one submission).

Conditions:
Epilepsy. Also called: Seizure disorder. Identifiers: MedGen C0014544, MeSH D004827, MONDO:0005027.

Submission:

Labcorp Genetics (formerly Invitae), Labcorp
Classification: Uncertain significance for Epilepsy. Last evaluated: 2025-02-20. Review status: criteria provided, single submitter. Criteria: Invitae Variant Classification Sherloc (09022015). Collection method: clinical testing. Allele origin: germline.
Comment: This sequence change replaces cysteine, which is neutral and slightly polar, with arginine, which is basic and polar, at codon 549 of the PIGQ protein (p.Cys549Arg). This variant is not present in population databases (gnomAD no frequency). This variant has not been reported in the literature in individuals affected with PIGQ-related conditions. An algorithm developed to predict the effect of missense changes on protein structure and function (PolyPhen-2) suggests that this variant is likely to be tolerated. In summary, the available evidence is currently insufficient to determine the role of this variant in disease. Therefore, it has been classified as a Variant of Uncertain Significance.